The following is an entry in ClinVar:

ClinVar aggregate classification (germline): Uncertain significance. Review status: criteria provided, multiple submitters, no conflicts (2 of 4 stars). 2 submissions from 2 submitters: Uncertain significance (2). Last evaluated 2025-08-09.

Conditions:
Inborn genetic diseases. Identifiers: MedGen C0950123, MeSH D030342.

Submissions (2):

Ambry Genetics
Classification: Uncertain significance for Inborn genetic diseases. Last evaluated: 2025-08-09. Review status: criteria provided, single submitter. Criteria: Ambry Variant Classification Scheme 2023. Collection method: clinical testing. Allele origin: germline.

Labcorp Genetics (formerly Invitae), Labcorp
Classification: Uncertain significance. Last evaluated: 2022-03-15. Review status: criteria provided, single submitter. Criteria: Invitae Variant Classification Sherloc (09022015). Collection method: clinical testing. Allele origin: germline.
Comment: This variant has not been reported in the literature in individuals affected with MCM3AP-related conditions. This variant is not present in population databases (gnomAD no frequency). This sequence change replaces methionine, which is neutral and non-polar, with leucine, which is neutral and non-polar, at codon 498 of the MCM3AP protein (p.Met498Leu). Algorithms developed to predict the effect of missense changes on protein structure and function (SIFT, PolyPhen-2, Align-GVGD) all suggest that this variant is likely to be tolerated. In summary, the available evidence is currently insufficient to determine the role of this variant in disease. Therefore, it has been classified as a Variant of Uncertain Significance.

NM_003906.5(MCM3AP):c.1492A>T (p.Met498Leu)

Gene: MCM3AP (minichromosome maintenance complex component 3 associated protein; minus strand). Cytogenetic location: 21q22.3.
Variant type: single nucleotide variant.
Coding change: c.1492A>T on transcript NM_003906.5 (MANE Select); coding-DNA position 1492, A replaced by T.
Protein change: p.Met498Leu; replaces methionine 498 with leucine.
Molecular consequence: missense variant.
Genome position (GRCh38, 1-based): chr21:46,280,527, T>A on the plus strand (A>T on the coding strand, the complement: MCM3AP is on the minus strand). VCF-style: chr21-46280527-T-A. GRCh37 (hg19) VCF-style: chr21-47700441-T-A.
Other names: c.1492A>T (NM_003906.3); short protein forms M498L.
Identifiers: ClinVar variation 2112546 (VCV002112546.5), dbSNP rs2517426641, ClinGen allele CA410530172.